The following is an entry in ClinVar:

ClinVar aggregate classification (germline): Benign. Review status: criteria provided, multiple submitters, no conflicts (2 of 4 stars). 9 submissions from 9 submitters: Benign (7). 2 of the submissions do not count toward it. Last evaluated 2026-02-04.

Conditions:
Ehlers-Danlos syndrome, spondylodysplastic type, 3. Also called: Ehlers-Danlos syndrome, spondylocheirodysplastic type. Identifiers: Orphanet 157965, MedGen C2676510, MONDO:0012873, OMIM 612350.

Allele frequency attached by ClinVar (database versions not stated): 1000 Genomes Project 30x 0.93691; 1000 Genomes Project 0.94050; ESP Exome Variant Server 0.94413; TOPMed 0.94551; gnomAD 0.94826 and 0.95160; ExAC 0.98535; gnomAD exomes 0.98805 and 0.99520.
gnomAD v4.1: 1,598,899 of 1,613,612 alleles (99%); highest among the groups gnomAD compares: East Asian, 100%; 793,255 homozygotes.

Submissions (9):

Labcorp Genetics (formerly Invitae), Labcorp
Classification: Benign for Ehlers-Danlos syndrome, spondylodysplastic type, 3. Last evaluated: 2026-02-04. Review status: criteria provided, single submitter. Criteria: Invitae Variant Classification Sherloc (09022015). Collection method: clinical testing. Allele origin: germline.

Women's Health and Genetics/Laboratory Corporation of America, LabCorp
Classification: Benign. Last evaluated: 2026-01-21. Review status: criteria provided, single submitter. Criteria: LabCorp Variant Classification Summary - May 2015. Collection method: clinical testing. Allele origin: germline.

Blueprint Genetics
Classification: Benign. Last evaluated: 2024-11-27. Review status: criteria provided, single submitter. Criteria: ACMG Guidelines, 2015. Collection method: clinical testing. Allele origin: germline.

Genome-Nilou Lab
Classification: Benign for Ehlers-Danlos syndrome, spondylodysplastic type, 3. Last evaluated: 2021-07-15. Review status: criteria provided, single submitter. Criteria: ACMG Guidelines, 2015. Collection method: clinical testing. Allele origin: germline. Affected: no.

Mendelics
Classification: Benign for Ehlers-Danlos syndrome, spondylodysplastic type, 3. Last evaluated: 2019-05-28. Review status: criteria provided, single submitter. Criteria: Mendelics Assertion Criteria 2017. Collection method: clinical testing. Allele origin: unknown.

Laboratory for Molecular Medicine, Mass General Brigham Personalized Medicine
Classification: Benign. Last evaluated: 2016-04-25. Review status: criteria provided, single submitter. Criteria: LMM Criteria. Collection method: clinical testing. Allele origin: germline.
Comment: Variant identified in a genome or exome case(s) and assessed due to predicted null impact of the variant or pathogenic assertions in the literature or databases. Disclaimer: This variant has not undergone full assessment. The following are preliminary notes: Frequency

Breakthrough Genomics
Classification: Benign. Review status: criteria provided, single submitter. Criteria: ACMG Guidelines, 2015. Collection method: not provided. Allele origin: germline. Inheritance: Autosomal recessive inheritance. Affected: yes.

Diagnostic Laboratory, Department of Genetics, University Medical Center Groningen
Classification: Benign. Review status: no assertion criteria provided. Collection method: clinical testing. Allele origin: germline. Affected: yes. Study: VKGL Data-share Consensus. Not counted in ClinVar's aggregate classification.

Genome Diagnostics Laboratory, Amsterdam University Medical Center
Classification: Benign. Review status: no assertion criteria provided. Collection method: clinical testing. Allele origin: germline. Affected: yes. Study: VKGL Data-share Consensus. Not counted in ClinVar's aggregate classification.

NM_001128225.3(SLC39A13):c.83A>G (p.Glu28Gly)

Gene: SLC39A13 (solute carrier family 39 member 13; plus strand). Cytogenetic location: 11p11.2.
Variant type: single nucleotide variant.
Coding change: c.83A>G on transcript NM_001128225.3 (MANE Select); coding-DNA position 83, A replaced by G.
Protein change: p.Glu28Gly; replaces glutamic acid 28 with glycine.
Molecular consequence: missense variant. On other transcripts: non-coding transcript variant (1), no sequence alteration (1).
Genome position (GRCh38, 1-based): chr11:47,410,177, A>G. VCF-style: chr11-47410177-A-G. GRCh37 (hg19) VCF-style: chr11-47431728-A-G.
Other names: c.83A>G, p.Glu28Gly (NM_001330245.2, NM_152264.5); short protein forms E28G.
Identifiers: ClinVar variation 403458 (VCV000403458.23), dbSNP rs2010519, ClinGen allele CA5975658.
Genomic context (GRCh38, chr11:47,410,177, plus strand): 5'-GCTGTGGCATGGCGGGCCCAAGGCTCCTCTTCCTCACTGCCCTTGCCCTGGAGCTCTTGG[A>G]AAGGGCTGGGGGTTCCCAGCCGGCCCTCCGGAGCCGGGGGACTGCGACGGCCTGTCGCCT-3'
Protein context (NP_001121697.2, residues 18-38): FLTALALELL[Glu28Gly]RAGGSQPALR